The following is an entry in ClinVar:

NM_172107.4(KCNQ2):c.1089C>G (p.Tyr363Ter)

Gene: KCNQ2 (potassium voltage-gated channel subfamily Q member 2; minus strand). Cytogenetic location: 20q13.33.
Variant type: single nucleotide variant.
Coding change: c.1089C>G on transcript NM_172107.4 (MANE Select); coding-DNA position 1089, C replaced by G.
Protein change: p.Tyr363Ter; replaces tyrosine 363 with a stop codon.
Molecular consequence: nonsense.
Genome position (GRCh38, 1-based): chr20:63,433,838, G>C on the plus strand (C>G on the coding strand, the complement: KCNQ2 is on the minus strand). VCF-style: chr20-63433838-G-C. GRCh37 (hg19) VCF-style: chr20-62065191-G-C.
Other names: c.1089C>G, p.Tyr363Ter (NM_001382235.1, NM_004518.6, NM_172106.3 and 2 more transcripts); short protein forms Y363*.
Identifiers: ClinVar variation 976093 (VCV000976093.6), dbSNP rs1185859533, ClinGen allele CA409651095.
Genomic context (GRCh38, chr20:63,433,838, plus strand): 5'-TTGCTTGGTGGCAGGTGCCCGGCGGCGGTACCTGTACATGGGCACGGTGACCGTTCGCTC[G>C]TAGTACTGCCACGTGGAGTGCAGGTCTGTGCGCGAGAGGTTGGTGGCGTAGAATCTCCAG-3'

ClinVar aggregate classification (germline): Pathogenic/Likely pathogenic. Review status: criteria provided, multiple submitters, no conflicts (2 of 4 stars). 3 submissions from 3 submitters: Pathogenic (2); Likely pathogenic (1). Last evaluated 2023-07-20.

Conditions:
Seizures, benign familial neonatal, 1. Also called: Benign Neonatal Epilepsy 1; KCNQ2-Related Benign Familial Neonatal Epilepsy; KCNQ2-Related Self-Limited Familial Neonatal Epilepsy (SLFNE); Seizures, benign neonatal, 1. Identifiers: Orphanet 1949, MedGen C3149074, MONDO:0007365, OMIM 121200.
Early-infantile DEE. Also called: Ohtahara syndrome; Early infantile epileptic encephalopathy; Early infantile epileptic encephalopathy with suppression bursts. Identifiers: Orphanet 1934, MedGen C0393706, MONDO:0800491.
Inborn genetic diseases. Identifiers: MedGen C0950123, MeSH D030342.

Submissions (3):

Labcorp Genetics (formerly Invitae), Labcorp
Classification: Pathogenic for Early-infantile DEE. Last evaluated: 2023-07-20. Review status: criteria provided, single submitter. Criteria: Invitae Variant Classification Sherloc (09022015). Collection method: clinical testing. Allele origin: germline.
Comment: This variant has not been reported in the literature in individuals affected with KCNQ2-related conditions. This variant is not present in population databases (gnomAD no frequency). This sequence change creates a premature translational stop signal (p.Tyr363*) in the KCNQ2 gene. It is expected to result in an absent or disrupted protein product. Loss-of-function variants in KCNQ2 are known to be pathogenic (PMID: 14534157, 23692823, 27779742). For these reasons, this variant has been classified as Pathogenic. ClinVar contains an entry for this variant (Variation ID: 976093).

Ambry Genetics
Classification: Pathogenic for Inborn genetic diseases. Last evaluated: 2018-06-13. Review status: criteria provided, single submitter. Criteria: Ambry Variant Classification Scheme 2023. Collection method: clinical testing. Allele origin: germline.
Comment: The p.Y363* pathogenic mutation (also known as c.1089C>G), located in coding exon 8 of the KCNQ2 gene, results from a C to G substitution at nucleotide position 1089. This changes the amino acid from a tyrosine to a stop codon within coding exon 8. This alteration is expected to result in loss of function by premature protein truncation or nonsense-mediated mRNA decay. As such, this alteration is interpreted as a disease-causing mutation.

Institute of Human Genetics, University of Leipzig Medical Center
Classification: Likely pathogenic for Seizures, benign familial neonatal, 1. Last evaluated: 2017-12-19. Review status: criteria provided, single submitter. Criteria: ACMG Guidelines, 2015. Collection method: clinical testing. Allele origin: germline. Affected: yes. Observed: 1 variant allele.

Literature cited by the submitters: PubMed 14534157 (cited by Labcorp Genetics (formerly Invitae), Labcorp); PubMed 23692823 (cited by Labcorp Genetics (formerly Invitae), Labcorp); PubMed 27779742 (cited by Labcorp Genetics (formerly Invitae), Labcorp).